The following is an entry in ClinVar:

NM_022552.5(DNMT3A):c.1998_1999del (p.Cys666_Glu667delinsTer)

Gene: DNMT3A (DNA methyltransferase 3 alpha; minus strand). Cytogenetic location: 2p23.3.
Variant type: Microsatellite.
Coding change: c.1998_1999del on transcript NM_022552.5 (MANE Select); coding-DNA positions 1998 to 1999, 2 bases deleted (TG; older notation c.1998_1999delTG).
Protein change: p.Cys666_Glu667delinsTer.
Molecular consequence: nonsense. On other transcripts: non-coding transcript variant (1).
Genome position (GRCh38, 1-based): chr2:25,241,645-25,241,646, CA deleted on the plus strand (TG on the coding strand, the reverse complement: DNMT3A is on the minus strand); deleting any 2 consecutive bases within chr2:25,241,645-25,241,651 gives the same sequence; the c. name uses the placement nearest the transcript's 3' end. VCF-style (leftmost placement, unchanged base first): chr2-25241644-TCA-T. GRCh37 (hg19) VCF-style: chr2-25464513-TCA-T.
Other names: c.1998_1999delTG (NM_175629.2); c.1542_1543del, p.Cys514_Glu515delinsTer (NM_001320893.1); c.1329_1330del, p.Cys443_Glu444delinsTer (NM_001375819.1); c.1431_1432del, p.Cys477_Glu478delinsTer (NM_153759.3); c.1998_1999del, p.Cys666_Glu667delinsTer (NM_175629.2).
Identifiers: ClinVar variation 4995899 (VCV004995899.1).

ClinVar aggregate classification (germline): Likely pathogenic (1 of 4 stars; one submission).

Conditions:
DNMT3A-related disorder. Also called: DNMT3A-related disorders; DNMT3A-related condition.

Submission:

PreventionGenetics, part of Exact Sciences
Classification: Likely pathogenic for DNMT3A-related condition. Last evaluated: 2026-04-23. Review status: criteria provided, single submitter. Criteria: ACMG Guidelines, 2015. Collection method: clinical testing. Allele origin: germline.
Comment: The DNMT3A c.1998_1999delTG variant is predicted to result in premature protein termination (p.Cys666*). To our knowledge, this variant has not been reported in the literature or in a large population database (gnomAD), indicating this variant is rare. Nonsense variants in DNMT3A are expected to be pathogenic. This variant is interpreted as likely pathogenic.